The following is an entry in ClinVar:

ClinVar aggregate classification (germline): Uncertain significance. Review status: criteria provided, multiple submitters, no conflicts (2 of 4 stars). 3 submissions from 3 submitters: Uncertain significance (3). Last evaluated 2023-11-10.

Conditions:
Aicardi-Goutieres syndrome 6 (AGS6). Identifiers: Orphanet 51, MedGen C3539013, MONDO:0014007, OMIM 615010.
Symmetrical dyschromatosis of extremities (DSH). Also called: Dyschromatosis symmetrica hereditaria; RETICULATE ACROPIGMENTATION OF DOHI; SYMMETRIC DYSCHROMATOSIS OF THE EXTREMITIES; DYSCHROMATOSIS SYMMETRICA HEREDITARIA 1. Identifiers: Orphanet 41, MedGen C0406775, MONDO:0007483, OMIM 127400.

Allele frequency attached by ClinVar (database versions not stated): gnomAD exomes below 0.00001.
gnomAD v4.1: 1 of 1,614,244 alleles (0.000062%); highest among the groups gnomAD compares: Non-Finnish European, 0.000085%; no homozygotes.

Submissions (3):

Labcorp Genetics (formerly Invitae), Labcorp
Classification: Uncertain significance for Aicardi-Goutieres syndrome 6; Symmetrical dyschromatosis of extremities. Last evaluated: 2023-11-10. Review status: criteria provided, single submitter. Criteria: Invitae Variant Classification Sherloc (09022015). Collection method: clinical testing. Allele origin: germline.
Comment: This sequence change replaces serine, which is neutral and polar, with glycine, which is neutral and non-polar, at codon 281 of the ADAR protein (p.Ser281Gly). This variant is not present in population databases (gnomAD no frequency). This missense change has been observed in individual(s) with ADAR-related conditions (PMID: 30755392). ClinVar contains an entry for this variant (Variation ID: 598995). Algorithms developed to predict the effect of missense changes on protein structure and function output the following: SIFT: "Not Available"; PolyPhen-2: "Benign"; Align-GVGD: "Not Available". The glycine amino acid residue is found in multiple mammalian species, which suggests that this missense change does not adversely affect protein function. In summary, the available evidence is currently insufficient to determine the role of this variant in disease. Therefore, it has been classified as a Variant of Uncertain Significance.

Genome-Nilou Lab
Classification: Uncertain significance for Aicardi-Goutieres syndrome 6. Last evaluated: 2023-04-11. Review status: criteria provided, single submitter. Criteria: ACMG Guidelines, 2015. Collection method: clinical testing. Allele origin: germline. Affected: no.

Center for Personalized Medicine, Children's Hospital Los Angeles
Classification: Uncertain significance. Last evaluated: 2018-11-19. Review status: criteria provided, single submitter. Criteria: ACMG Guidelines, 2015. Collection method: clinical testing. Allele origin: germline. Affected: yes.

Literature cited by the submitters: PubMed 30755392 (cited by Labcorp Genetics (formerly Invitae), Labcorp).

NM_001111.5(ADAR):c.841A>G (p.Ser281Gly)

Gene: ADAR (adenosine deaminase RNA specific; minus strand). Cytogenetic location: 1q21.3.
Variant type: single nucleotide variant.
Coding change: c.841A>G on transcript NM_001111.5 (MANE Select); coding-DNA position 841, A replaced by G.
Protein change: p.Ser281Gly; replaces serine 281 with glycine.
Molecular consequence: missense variant. On other transcripts: 5 prime UTR variant (6).
Genome position (GRCh38, 1-based): chr1:154,601,801, T>C on the plus strand (A>G on the coding strand, the complement: ADAR is on the minus strand). VCF-style: chr1-154601801-T-C. GRCh37 (hg19) VCF-style: chr1-154574277-T-C.
Other names: c.841A>G, p.Ser281Gly (LRG_1212t1, NM_015840.4, NM_015841.4); c.-45A>G (NM_001025107.3, NM_001193495.2, NM_001365046.1 and 3 more transcripts); c.868A>G, p.Ser290Gly (NM_001365045.1); short protein forms S281G, S290G.
Identifiers: ClinVar variation 598995 (VCV000598995.9), dbSNP rs1557887436, ClinGen allele CA342599761.